The following is an entry in ClinVar:

ClinVar aggregate classification (germline): Conflicting classifications of pathogenicity. Review status: criteria provided, conflicting classifications (1 of 4 stars). 4 submissions from 4 submitters: Uncertain significance (2); Likely benign (2). Last evaluated 2026-01-25.

Conditions:
Medulloblastoma (MDB). Also called: Medulloblastoma, somatic; MEDULLOBLASTOMA PREDISPOSITION SYNDROME. Identifiers: Orphanet 616, MedGen C0025149, MeSH D008527, MONDO:0007959, OMIM 155255, HP:0002885.
Gorlin syndrome. Also called: Nevoid Basal Cell Carcinoma Syndrome; Basal cell nevus syndrome. Identifiers: Orphanet 377, MedGen C0004779, MONDO:0007187.
Hereditary cancer-predisposing syndrome. Also called: Tumor predisposition; Neoplastic Syndromes, Hereditary; Hereditary Cancer Syndrome; Hereditary neoplastic syndrome. Identifiers: Orphanet 140162, MedGen C0027672, MeSH D009386, MONDO:0015356.
Familial meningioma. Also called: Meningioma, familial, susceptibility to. Identifiers: Orphanet 263662, MedGen C3551915, MONDO:0011789, OMIM 607174.

Allele frequency attached by ClinVar (database versions not stated): gnomAD exomes 0.00009 and 0.00014; ExAC 0.00010; ESP Exome Variant Server 0.00031; gnomAD 0.00006 and 0.00007; TOPMed 0.00008.
gnomAD v4.1: 213 of 1,613,946 alleles (0.013%); highest among the groups gnomAD compares: Middle Eastern, 0.016%; no homozygotes.

Submissions (4):

Labcorp Genetics (formerly Invitae), Labcorp
Classification: Likely benign for Gorlin syndrome; Medulloblastoma. Last evaluated: 2026-01-25. Review status: criteria provided, single submitter. Criteria: Invitae Variant Classification Sherloc (09022015). Collection method: clinical testing. Allele origin: germline.

Baylor Genetics
Classification: Uncertain significance for Familial meningioma. Last evaluated: 2024-03-17. Review status: criteria provided, single submitter. Criteria: ACMG Guidelines, 2015. Collection method: clinical testing. Allele origin: unknown.

GeneDx
Classification: Uncertain significance. Last evaluated: 2023-09-20. Review status: criteria provided, single submitter. Criteria: GeneDx Variant Classification Process June 2021. Collection method: clinical testing. Allele origin: germline. Affected: yes.
Comment: Has not been previously published as pathogenic or benign to our knowledge; In silico analysis supports that this missense variant has a deleterious effect on protein structure/function

Ambry Genetics
Classification: Likely benign for Hereditary cancer-predisposing syndrome. Last evaluated: 2023-07-05. Review status: criteria provided, single submitter. Criteria: Ambry Variant Classification Scheme 2023. Collection method: clinical testing. Allele origin: germline.

NM_016169.4(SUFU):c.925C>T (p.Arg309Trp)

Gene: SUFU (SUFU negative regulator of hedgehog signaling; plus strand). Cytogenetic location: 10q24.32.
Variant type: single nucleotide variant.
Coding change: c.925C>T on transcript NM_016169.4 (MANE Select); coding-DNA position 925, C replaced by T.
Protein change: p.Arg309Trp; replaces arginine 309 with tryptophan.
Molecular consequence: missense variant.
Genome position (GRCh38, 1-based): chr10:102,599,447, C>T. VCF-style: chr10-102599447-C-T. GRCh37 (hg19) VCF-style: chr10-104359204-C-T.
Other names: c.925C>T, p.Arg309Trp (NM_001178133.2); short protein forms R309W.
Identifiers: ClinVar variation 406382 (VCV000406382.17), dbSNP rs148160011, ClinGen allele CA5667817.